The following is an entry in ClinVar:

NM_001379200.1(TBX1):c.814T>A (p.Phe272Ile)

Gene: TBX1 (T-box transcription factor 1; plus strand). Cytogenetic location: 22q11.21.
Variant type: single nucleotide variant.
Coding change: c.814T>A on transcript NM_001379200.1 (MANE Select); coding-DNA position 814, T replaced by A.
Protein change: p.Phe272Ile; replaces phenylalanine 272 with isoleucine.
Molecular consequence: missense variant.
Genome position (GRCh38, 1-based): chr22:19,765,060, T>A. VCF-style: chr22-19765060-T-A. GRCh37 (hg19) VCF-style: chr22-19752583-T-A.
Other names: c.787T>A, p.Phe263Ile (NM_005992.1, NM_080646.2, NM_080647.1); short protein forms F272I, F263I.
Identifiers: ClinVar variation 2562906 (VCV002562906.2), dbSNP rs1936785926, ClinGen allele CA410683449.
Genomic context (GRCh38, chr22:19,765,060, plus strand): 5'-GTGGTCTATGTGGACCCACGCAAAGATAGCGAGAAATATGCCGAGGAGAACTTCAAAACC[T>A]TTGTGTTCGAGGAGACACGATTCACCGCGGTCACTGCCTACCAGAACCATCGGGTGAGGG-3'
Protein context (NP_001366129.1, residues 262-282): EKYAEENFKT[Phe272Ile]VFEETRFTAV

ClinVar aggregate classification (germline): Uncertain significance (1 of 4 stars; one submission).

Conditions:
Cardiovascular phenotype. Identifiers: MedGen CN230736.

Submission:

Ambry Genetics
Classification: Uncertain significance for Cardiovascular phenotype. Last evaluated: 2023-03-16. Review status: criteria provided, single submitter. Criteria: Ambry Variant Classification Scheme 2023. Collection method: clinical testing. Allele origin: germline.
Comment: The p.F263I variant (also known as c.787T>A), located in coding exon 5 of the TBX1 gene, results from a T to A substitution at nucleotide position 787. The phenylalanine at codon 263 is replaced by isoleucine, an amino acid with highly similar properties. This amino acid position is conserved. In addition, this alteration is predicted to be deleterious by in silico analysis. Since supporting evidence is limited at this time, the clinical significance of this alteration remains unclear.